The following is an entry in ClinVar:

NM_003839.4(TNFRSF11A):c.1841_1842insAC (p.Lys615fs)

Gene: TNFRSF11A (TNF receptor superfamily member 11a; plus strand). Cytogenetic location: 18q21.33.
Variant type: Insertion.
Coding change: c.1841_1842insAC on transcript NM_003839.4 (MANE Select); coding-DNA positions 1841 to 1842, AC inserted.
Protein change: p.Lys615fs; shifts the reading frame from lysine 615.
Molecular consequence: frameshift variant. On other transcripts: 3 prime UTR variant (1).
Genome position: GRCh38 VCF-style: chr18-62385023-G-GCA. GRCh37 (hg19) VCF-style: chr18-60052256-G-GCA.
Other names: c.*265_*266insAC (NM_001270949.2); c.1004_1005insAC, p.Lys336fs (NM_001270950.2); c.890_891insAC, p.Lys298fs (NM_001270951.2); c.1799_1800insAC, p.Lys601fs (NM_001278268.2); short protein forms K615fs, K336fs, K298fs, K601fs.
Identifiers: ClinVar variation 2787947 (VCV002787947.3), dbSNP rs2511621913, ClinGen allele CA2739276328.

ClinVar aggregate classification (germline): Uncertain significance (1 of 4 stars; one submission).

Submission:

Labcorp Genetics (formerly Invitae), Labcorp
Classification: Uncertain significance. Last evaluated: 2023-12-02. Review status: criteria provided, single submitter. Criteria: Invitae Variant Classification Sherloc (09022015). Collection method: clinical testing. Allele origin: germline.
Comment: This sequence change results in a frameshift in the TNFRSF11A gene (p.Lys615Profs*62). While this is not anticipated to result in nonsense mediated decay, it is expected to disrupt the last 2 amino acid(s) of the TNFRSF11A protein and extend the protein by 59 additional amino acid residues. This variant is not present in population databases (gnomAD no frequency). This variant has not been reported in the literature in individuals affected with TNFRSF11A-related conditions. Experimental studies and prediction algorithms are not available or were not evaluated, and the functional significance of this variant is currently unknown. In summary, the available evidence is currently insufficient to determine the role of this variant in disease. Therefore, it has been classified as a Variant of Uncertain Significance.